The following is an entry in ClinVar:

ClinVar aggregate classification (germline): Uncertain significance (1 of 4 stars; one submission).

Conditions:
Congenital contractural arachnodactyly (CCA). Also called: BEALS SYNDROME; Beals-Hecht syndrome; Arthrogryposis, distal, type 9. Identifiers: Orphanet 115, MedGen C0220668, MONDO:0007363, OMIM 121050.

Submission:

Labcorp Genetics (formerly Invitae), Labcorp
Classification: Uncertain significance for Congenital contractural arachnodactyly. Last evaluated: 2022-08-06. Review status: criteria provided, single submitter. Criteria: Invitae Variant Classification Sherloc (09022015). Collection method: clinical testing. Allele origin: germline.
Comment: This variant has not been reported in the literature in individuals affected with FBN2-related conditions. In summary, the available evidence is currently insufficient to determine the role of this variant in disease. Therefore, it has been classified as a Variant of Uncertain Significance. Advanced modeling of protein sequence and biophysical properties (such as structural, functional, and spatial information, amino acid conservation, physicochemical variation, residue mobility, and thermodynamic stability) performed at Invitae indicates that this missense variant is not expected to disrupt FBN2 protein function. This variant is not present in population databases (gnomAD no frequency). This sequence change replaces arginine, which is basic and polar, with threonine, which is neutral and polar, at codon 382 of the FBN2 protein (p.Arg382Thr).

NM_001999.4(FBN2):c.1145G>C (p.Arg382Thr)

Gene: FBN2 (fibrillin 2; minus strand). Cytogenetic location: 5q23.3.
Variant type: single nucleotide variant.
Coding change: c.1145G>C on transcript NM_001999.4 (MANE Select); coding-DNA position 1145, G replaced by C.
Protein change: p.Arg382Thr; replaces arginine 382 with threonine.
Molecular consequence: missense variant.
Genome position (GRCh38, 1-based): chr5:128,395,208, C>G on the plus strand (G>C on the coding strand, the complement: FBN2 is on the minus strand). VCF-style: chr5-128395208-C-G. GRCh37 (hg19) VCF-style: chr5-127730901-C-G.
Other names: short protein forms R382T.
Identifiers: ClinVar variation 2418064 (VCV002418064.8), dbSNP rs2479443581, ClinGen allele CA360750837.